The following is an entry in ClinVar:

NM_006885.4(ZFHX3):c.10563C>T (p.Gly3521=)

Genes: ZFHX3 (zinc finger homeobox 3; minus strand), ZFHX3-AS1 (ZFHX3 antisense RNA 1; plus strand). Cytogenetic location: 16q22.2.
Variant type: single nucleotide variant.
Coding change: c.10563C>T on transcript NM_006885.4 (MANE Select); coding-DNA position 10563, C replaced by T.
Protein change: p.Gly3521=; no amino-acid change (glycine 3521 retained).
Molecular consequence: synonymous variant.
Genome position (GRCh38, 1-based): chr16:72,787,713, G>A on the plus strand (C>T on the coding strand, the complement: ZFHX3 is on the minus strand). VCF-style: chr16-72787713-G-A. GRCh37 (hg19) VCF-style: chr16-72821612-G-A.
Other names: c.7821C>T, p.Gly2607= (NM_001164766.2); c.10563C>T, p.Gly3521= (NM_001386735.1).
Identifiers: ClinVar variation 4681330 (VCV004681330.5).

ClinVar aggregate classification (germline): Likely benign (1 of 4 stars; one submission).

gnomAD v4.1: 82 of 1,385,134 alleles (0.0059%); highest among the groups gnomAD compares: Middle Eastern, 0.02%; 1 homozygote.

Submission:

CeGaT Center for Human Genetics Tuebingen
Classification: Likely benign. Last evaluated: 2025-11-01. Review status: criteria provided, single submitter. Criteria: CeGaT Center For Human Genetics Tuebingen Variant Classification Criteria Version 2. Collection method: clinical testing. Allele origin: germline. Affected: yes. Observed: 1 variant allele.
Comment: ZFHX3: BP4, BP7